The following is an entry in ClinVar:

ClinVar aggregate classification (germline): Uncertain significance (1 of 4 stars; one submission).

Conditions:
Primary dilated cardiomyopathy (DCM). Also called: Dilated Cardiomyopathy. Identifiers: Orphanet 217604, MedGen C0007193, MeSH D002311, MONDO:0005021, HP:0001644. Inheritance: Various modes of inheritance.

Allele frequency attached by ClinVar (database versions not stated): gnomAD exomes below 0.00001.
gnomAD v4.1: 1 of 1,614,212 alleles (0.000062%); highest among the groups gnomAD compares: Non-Finnish European, 0.000085%; no homozygotes.

Submission:

Labcorp Genetics (formerly Invitae), Labcorp
Classification: Uncertain significance for Primary dilated cardiomyopathy. Last evaluated: 2021-04-09. Review status: criteria provided, single submitter. Criteria: Invitae Variant Classification Sherloc (09022015). Collection method: clinical testing. Allele origin: germline.
Comment: In summary, the available evidence is currently insufficient to determine the role of this variant in disease. Therefore, it has been classified as a Variant of Uncertain Significance. Algorithms developed to predict the effect of missense changes on protein structure and function are either unavailable or do not agree on the potential impact of this missense change (SIFT: "Deleterious"; PolyPhen-2: "Probably Damaging"; Align-GVGD: "Class C0"). This variant has not been reported in the literature in individuals with FHL2-related conditions. This variant is not present in population databases (ExAC no frequency). This sequence change replaces cysteine with arginine at codon 248 of the FHL2 protein (p.Cys248Arg). The cysteine residue is highly conserved and there is a large physicochemical difference between cysteine and arginine.

NM_001318895.3(FHL2):c.742T>C (p.Cys248Arg)

Genes: C2orf49 (chromosome 2 open reading frame 49; plus strand), FHL2 (four and a half LIM domains 2; minus strand). Cytogenetic location: 2q12.2.
Variant type: single nucleotide variant.
Coding change: c.742T>C on transcript NM_001318895.3 (MANE Select); coding-DNA position 742, T replaced by C.
Protein change: p.Cys248Arg; replaces cysteine 248 with arginine.
Molecular consequence: missense variant.
Genome position (GRCh38, 1-based): chr2:105,361,381, A>G on the plus strand (T>C on the coding strand, the complement: FHL2 is on the minus strand). VCF-style: chr2-105361381-A-G. GRCh37 (hg19) VCF-style: chr2-105977838-A-G.
Other names: c.742T>C, p.Cys248Arg (NM_001039492.3, NM_001318894.1, NM_001318896.2 and 4 more transcripts); c.400T>C, p.Cys134Arg (NM_001318897.2, NM_001318898.2); c.418T>C, p.Cys140Arg (NM_001318899.2); short protein forms C134R, C248R, C140R.
Identifiers: ClinVar variation 1524358 (VCV001524358.8), dbSNP rs2104477768, ClinGen allele CA347995347.
Genomic context (GRCh38, chr2:105,361,381, plus strand): 5'-CCCTCTCTGTGAGGAAGCCACGCCCCACCAGTGAGAGGGAGCACTTCTTACAGTTAAAGC[A>G]GTCGTTATGCCACTGCCGTTCCTCAAAGGAGATGTATTTTGTGCCACCAAGTCCTGTTAA-3'
Protein context (NP_001305824.1, residues 238-258): SFEERQWHND[Cys248Arg]FNCKKCSLSL